The following is an entry in ClinVar:

ClinVar aggregate classification (germline): Benign. Review status: criteria provided, multiple submitters, no conflicts (2 of 4 stars). 11 submissions from 11 submitters: Benign (8). 3 of the submissions do not count toward it. Last evaluated 2026-02-04.

Conditions:
Maple syrup urine disease (MSUD). Identifiers: Orphanet 511, MedGen C0024776, MeSH D008375, MONDO:0009563. Disease mechanism: loss of function.

Allele frequency attached by ClinVar (database versions not stated): gnomAD 0.42545 and 0.43945; TOPMed 0.43550; 1000 Genomes Project 30x 0.50687; 1000 Genomes Project 0.51837.
gnomAD v4.1: 714,343 of 1,555,556 alleles (46%); highest among the groups gnomAD compares: East Asian, 61%; 143,841 homozygotes.

Submissions (13):

Labcorp Genetics (formerly Invitae), Labcorp
Classification: Benign for Maple syrup urine disease. Last evaluated: 2026-02-04. Review status: criteria provided, single submitter. Criteria: Invitae Variant Classification Sherloc (09022015). Collection method: clinical testing. Allele origin: germline.

Blueprint Genetics
Classification: Benign. Last evaluated: 2024-11-27. Review status: criteria provided, single submitter. Criteria: ACMG Guidelines, 2015. Collection method: clinical testing. Allele origin: germline.

Mayo Clinic Laboratories, Mayo Clinic
Classification: Benign. Last evaluated: 2021-10-03. Review status: criteria provided, single submitter. Criteria: ACMG Guidelines, 2015. Collection method: clinical testing. Allele origin: germline. Observed: 18 variant alleles.

Genome-Nilou Lab
Classification: Benign for Maple syrup urine disease type 1A. Last evaluated: 2021-07-01. Review status: criteria provided, single submitter. Criteria: ACMG Guidelines, 2015. Collection method: clinical testing. Allele origin: germline. Affected: no.

Illumina Laboratory Services, Illumina
Classification: Benign for Maple syrup urine disease type 1A. Last evaluated: 2018-01-13. Review status: criteria provided, single submitter. Criteria: ICSL Variant Classification Criteria 13 December 2019. Collection method: clinical testing. Allele origin: germline.
Comment: This variant was observed in the ICSL laboratory as part of a predisposition screen in an ostensibly healthy population. It had not been previously curated by ICSL or reported in the Human Gene Mutation Database (HGMD: prior to June 1st, 2018), and was therefore a candidate for classification through an automated scoring system. Utilizing variant allele frequency, disease prevalence and penetrance estimates, and inheritance mode, an automated score was calculated to assess if this variant is too frequent to cause the disease. Based on the score and internal cut-off values, a variant classified as benign is not then subjected to further curation. The score for this variant resulted in a classification of benign for this disease.

GeneDx
Classification: Benign. Last evaluated: 2014-03-13. Review status: criteria provided, single submitter. Criteria: GeneDx Variant Classification (06012015). Collection method: clinical testing. Allele origin: germline. Affected: yes.
Comment: This variant is considered likely benign or benign based on one or more of the following criteria: it is a conservative change, it occurs at a poorly conserved position in the protein, it is predicted to be benign by multiple in silico algorithms, and/or has population frequency not consistent with disease.

Eurofins Ntd Llc (ga)
Classification: Benign. Last evaluated: 2013-08-25. Review status: criteria provided, single submitter. Criteria: EGL Classification Definitions 2015. Collection method: clinical testing. Allele origin: germline. Observed: 5 variant alleles, 2 heterozygotes, 3 homozygotes.

PreventionGenetics, part of Exact Sciences
Classification: Benign. Review status: criteria provided, single submitter. Criteria: ACMG Guidelines, 2015. Collection method: clinical testing. Allele origin: germline.

Clinical Genetics, Academic Medical Center
Classification: Benign. Review status: no assertion criteria provided. Collection method: clinical testing. Allele origin: germline. Affected: yes. Study: VKGL Data-share Consensus. Not counted in ClinVar's aggregate classification.

Dr. Peter K. Rogan Lab, Western University
No classification provided (evidence only). Condition: Hepatocellular carcinoma. Review status: no classification provided. Collection method: in vitro. Allele origin: not applicable. Functional consequence: retained intron. Not counted in ClinVar's aggregate classification.

Dr. Peter K. Rogan Lab, Western University
No classification provided (evidence only). Condition: Hepatocellular carcinoma. Review status: no classification provided. Collection method: in vitro. Allele origin: not applicable. Functional consequence: retained intron. Not counted in ClinVar's aggregate classification.

Genome Diagnostics Laboratory, University Medical Center Utrecht
Classification: Benign. Review status: no assertion criteria provided. Collection method: clinical testing. Allele origin: germline. Affected: yes. Study: VKGL Data-share Consensus. Not counted in ClinVar's aggregate classification.

Joint Genome Diagnostic Labs from Nijmegen and Maastricht, Radboudumc and MUMC+
Classification: Benign. Review status: no assertion criteria provided. Collection method: clinical testing. Allele origin: germline. Affected: yes. Study: VKGL Data-share Consensus. Not counted in ClinVar's aggregate classification.

NM_183050.4(BCKDHB):c.197-11G>T

Gene: BCKDHB (branched chain keto acid dehydrogenase E1 subunit beta; plus strand). Cytogenetic location: 6q14.1.
Variant type: single nucleotide variant.
Coding change: c.197-11G>T on transcript NM_183050.4 (MANE Select); 11 bases into the intron before coding-DNA position 197, G replaced by T.
Molecular consequence: intron variant.
Genome position (GRCh38, 1-based): chr6:80,127,536, G>T. VCF-style: chr6-80127536-G-T. GRCh37 (hg19) VCF-style: chr6-80837253-G-T.
Other names: p.?; c.-14-11G>T (NM_001318975.1); c.197-11G>T (NM_000056.5).
Identifiers: ClinVar variation 96572 (VCV000096572.27), dbSNP rs9448894, ClinGen allele CA285804.